The following is an entry in ClinVar:

NM_000023.4(SGCA):c.*10C>G

Gene: SGCA (sarcoglycan alpha; plus strand). Cytogenetic location: 17q21.33.
Variant type: single nucleotide variant.
Coding change: c.*10C>G on transcript NM_000023.4 (MANE Select); 10 bases downstream of the stop codon, C replaced by G.
Molecular consequence: 3 prime UTR variant. On other transcripts: non-coding transcript variant (1).
Genome position (GRCh38, 1-based): chr17:50,175,447, C>G. VCF-style: chr17-50175447-C-G. GRCh37 (hg19) VCF-style: chr17-48252808-C-G.
Other names: c.*10C>G (NM_001135697.3).
Identifiers: ClinVar variation 324046 (VCV000324046.12), dbSNP rs60300808, ClinGen allele CA8644096.

ClinVar aggregate classification (germline): Benign. Review status: criteria provided, multiple submitters, no conflicts (2 of 4 stars). 8 submissions from 8 submitters: Benign (6). 2 of the submissions do not count toward it. Last evaluated 2023-02-08.

Conditions:
SGCA-related disorder. Also called: SGCA-related condition.
Autosomal recessive limb-girdle muscular dystrophy type 2D (LGMDR3). Also called: ADHALINOPATHY, PRIMARY; DUCHENNE-LIKE AUTOSOMAL RECESSIVE MUSCULAR DYSTROPHY, TYPE 2; MUSCULAR DYSTROPHY, LIMB-GIRDLE, AUTOSOMAL RECESSIVE 3. Identifiers: Orphanet 62, MedGen C2936332, MONDO:0011968, OMIM 608099. Disease mechanism: Affects gamma-sarcoglycan and also disrupts the integrity of the entire sarcoglycan complex..
Sarcoglycanopathy. Identifiers: Orphanet 207052, MedGen C2936331, MONDO:0016140.

Allele frequency attached by ClinVar (database versions not stated): gnomAD exomes 0.00056 and 0.00141; ExAC 0.00185; ESP Exome Variant Server 0.00555; gnomAD 0.00593 and 0.00619; 1000 Genomes Project 0.00679; TOPMed 0.00693; 1000 Genomes Project 30x 0.00750.
gnomAD v4.1: 1,768 of 1,612,142 alleles (0.11%); highest among the groups gnomAD compares: African/African-American, 2%; 20 homozygotes.

Submissions (8):

Genome-Nilou Lab
Classification: Benign for Autosomal recessive limb-girdle muscular dystrophy type 2D. Last evaluated: 2023-02-08. Review status: criteria provided, single submitter. Criteria: ACMG Guidelines, 2015. Collection method: clinical testing. Allele origin: germline.

Athena Diagnostics
Classification: Benign. Last evaluated: 2020-02-13. Review status: criteria provided, single submitter. Criteria: Athena Diagnostics Criteria. Collection method: clinical testing. Allele origin: unknown.

Mayo Clinic Laboratories, Mayo Clinic
Classification: Benign. Last evaluated: 2018-05-25. Review status: criteria provided, single submitter. Criteria: ACMG Guidelines, 2015. Collection method: clinical testing. Allele origin: germline. Observed: 4 variant alleles.

Illumina Laboratory Services, Illumina
Classification: Benign for Sarcoglycanopathy. Last evaluated: 2018-01-12. Review status: criteria provided, single submitter. Criteria: ICSL Variant Classification Criteria 13 December 2019. Collection method: clinical testing. Allele origin: germline.
Comment: This variant was observed in the ICSL laboratory as part of a predisposition screen in an ostensibly healthy population. It had not been previously curated by ICSL or reported in the Human Gene Mutation Database (HGMD: prior to June 1st, 2018), and was therefore a candidate for classification through an automated scoring system. Utilizing variant allele frequency, disease prevalence and penetrance estimates, and inheritance mode, an automated score was calculated to assess if this variant is too frequent to cause the disease. Based on the score and internal cut-off values, a variant classified as benign is not then subjected to further curation. The score for this variant resulted in a classification of benign for this disease.

GeneDx
Classification: Benign. Last evaluated: 2016-06-24. Review status: criteria provided, single submitter. Criteria: GeneDx Variant Classification (06012015). Collection method: clinical testing. Allele origin: germline. Affected: yes.
Comment: This variant is considered likely benign or benign based on one or more of the following criteria: it is a conservative change, it occurs at a poorly conserved position in the protein, it is predicted to be benign by multiple in silico algorithms, and/or has population frequency not consistent with disease.

Breakthrough Genomics
Classification: Benign. Review status: criteria provided, single submitter. Criteria: ACMG Guidelines, 2015. Collection method: not provided. Allele origin: germline. Inheritance: Autosomal recessive inheritance. Affected: yes.

Natera, Inc.
Classification: Benign for Limb-girdle muscular dystrophy type 2D. Last evaluated: 2020-09-16. Review status: no assertion criteria provided. Collection method: clinical testing. Allele origin: germline. Not counted in ClinVar's aggregate classification.

PreventionGenetics, part of Exact Sciences
Classification: Benign for SGCA-related condition. Last evaluated: 2019-05-08. Review status: no assertion criteria provided. Collection method: clinical testing. Allele origin: germline. Not counted in ClinVar's aggregate classification.
Comment: This variant is classified as benign based on ACMG/AMP sequence variant interpretation guidelines (Richards et al. 2015 PMID: 25741868, with internal and published modifications).